The following is an entry in ClinVar:

ClinVar aggregate classification (germline): Uncertain significance (1 of 4 stars; one submission).

Conditions:
Hereditary cancer-predisposing syndrome. Also called: Tumor predisposition; Hereditary Cancer Syndrome; Hereditary neoplastic syndrome; Neoplastic Syndromes, Hereditary. Identifiers: Orphanet 140162, MedGen C0027672, MeSH D009386, MONDO:0015356.

Submission:

Ambry Genetics
Classification: Uncertain significance for Hereditary cancer-predisposing syndrome. Last evaluated: 2026-08-07. Review status: criteria provided, single submitter. Criteria: Ambry Variant Classification Scheme 2023. Collection method: clinical testing. Allele origin: germline.
Comment: The p.A23S variant (also known as c.67G>T), located in coding exon 1 of the PTCH1 gene, results from a G to T substitution at nucleotide position 67. The alanine at codon 23 is replaced by serine, an amino acid with similar properties. This amino acid position is conserved. In addition, this alteration is predicted to be tolerated by in silico analysis. Based on the available evidence, the clinical significance of this variant remains unclear.

NM_000264.5(PTCH1):c.67G>T (p.Ala23Ser)

Genes: PTCH1 (patched 1; minus strand), LOC130002133 (ATAC-STARR-seq lymphoblastoid silent region 20071; plus strand). Cytogenetic location: 9q22.32.
Variant type: single nucleotide variant.
Coding change: c.67G>T on transcript NM_000264.5 (MANE Select); coding-DNA position 67, G replaced by T.
Protein change: p.Ala23Ser; replaces alanine 23 with serine.
Molecular consequence: missense variant. On other transcripts: non-coding transcript variant (1), intron variant (3).
Genome position (GRCh38, 1-based): chr9:95,508,295, C>A on the plus strand (G>T on the coding strand, the complement: PTCH1 is on the minus strand). VCF-style: chr9-95508295-C-A. GRCh37 (hg19) VCF-style: chr9-98270577-C-A.
Other names: c.67G>T, p.Ala23Ser (NM_001354918.2); c.199-1696G>T (NM_001083603.3); c.4-1696G>T (NM_001083602.3, NM_001354919.2); short protein forms A23S.
Identifiers: ClinVar variation 3427216 (VCV003427216.2).
Genomic context (GRCh38, chr9:95,508,295, plus strand): 5'-CAGCACGGCGCAGCCCCCCCGTCCGTCTGCGCCTCCCGCCTCCAGCCGGCCGTCCCGGGG[C>A]ACCGATACAGCCGCTGCCGCCGCCGCCGCGGTCCTGGGGCTCGGCGGCGTTACCAGCCGA-3'
Protein context (NP_000255.2, residues 13-33): RGGGGSGCIG[Ala23Ser]PGRPAGGGRR